The following is an entry in ClinVar:

ClinVar aggregate classification (germline): Uncertain significance (1 of 4 stars; one submission).

Conditions:
Hereditary cancer-predisposing syndrome. Also called: Neoplastic Syndromes, Hereditary; Tumor predisposition; Hereditary Cancer Syndrome; Hereditary neoplastic syndrome. Identifiers: Orphanet 140162, MedGen C0027672, MeSH D009386, MONDO:0015356.

gnomAD v4.1: 1 of 1,609,660 alleles (0.000062%); highest among the groups gnomAD compares: Non-Finnish European, 0.000085%; no homozygotes.

Submission:

Ambry Genetics
Classification: Uncertain significance for Hereditary cancer-predisposing syndrome. Last evaluated: 2026-03-20. Review status: criteria provided, single submitter. Criteria: Ambry Variant Classification Scheme 2023. Collection method: clinical testing. Allele origin: germline.
Comment: The p.S262T variant (also known as c.785G>C), located in coding exon 3 of the XRCC2 gene, results from a G to C substitution at nucleotide position 785. The serine at codon 262 is replaced by threonine, an amino acid with similar properties. This amino acid position is conserved. In addition, this alteration is predicted to be tolerated by in silico analysis. Based on the available evidence, the clinical significance of this variant remains unclear.

NM_005431.2(XRCC2):c.785G>C (p.Ser262Thr)

Gene: XRCC2 (X-ray repair cross complementing 2; minus strand). Cytogenetic location: 7q36.1.
Variant type: single nucleotide variant.
Coding change: c.785G>C on transcript NM_005431.2 (MANE Select); coding-DNA position 785, G replaced by C.
Protein change: p.Ser262Thr; replaces serine 262 with threonine.
Molecular consequence: missense variant.
Genome position (GRCh38, 1-based): chr7:152,648,700, C>G on the plus strand (G>C on the coding strand, the complement: XRCC2 is on the minus strand). VCF-style: chr7-152648700-C-G. GRCh37 (hg19) VCF-style: chr7-152345785-C-G.
Other names: short protein forms S262T.
Identifiers: ClinVar variation 4866840 (VCV004866840.1).